The following is an entry in ClinVar:

NM_000321.3(RB1):c.356A>C (p.Glu119Ala)

Gene: RB1 (RB transcriptional corepressor 1; plus strand). Cytogenetic location: 13q14.2.
Variant type: single nucleotide variant.
Coding change: c.356A>C on transcript NM_000321.3 (MANE Select); coding-DNA position 356, A replaced by C.
Protein change: p.Glu119Ala; replaces glutamic acid 119 with alanine.
Molecular consequence: missense variant.
Genome position (GRCh38, 1-based): chr13:48,342,690, A>C. VCF-style: chr13-48342690-A-C. GRCh37 (hg19) VCF-style: chr13-48916826-A-C.
Other names: short protein forms E119A.
Identifiers: ClinVar variation 458166 (VCV000458166.14), dbSNP rs1347755761, ClinGen allele CA388252518.

ClinVar aggregate classification (germline): Uncertain significance. Review status: criteria provided, multiple submitters, no conflicts (2 of 4 stars). 2 submissions from 2 submitters: Uncertain significance (2). Last evaluated 2025-04-22.

Conditions:
Hereditary cancer-predisposing syndrome. Also called: Neoplastic Syndromes, Hereditary; Tumor predisposition; Hereditary Cancer Syndrome; Hereditary neoplastic syndrome. Identifiers: Orphanet 140162, MedGen C0027672, MeSH D009386, MONDO:0015356.
Retinoblastoma (RB1). Also called: RETINOBLASTOMA, SOMATIC. Identifiers: Orphanet 790, MedGen C0035335, MeSH D012175, MONDO:0008380, OMIM 180200, HP:0009919. Disease mechanism: loss of function. Inheritance: Both sporadic and heritable forms are tested..

Allele frequency attached by ClinVar (database versions not stated): gnomAD exomes below 0.00001; TOPMed below 0.00001; gnomAD 0.00001.
gnomAD v4.1: 1 of 1,607,430 alleles (0.000062%); highest among the groups gnomAD compares: African/African-American, 0.0013%; no homozygotes.

Submissions (2):

Labcorp Genetics (formerly Invitae), Labcorp
Classification: Uncertain significance for Retinoblastoma. Last evaluated: 2025-04-22. Review status: criteria provided, single submitter. Criteria: Invitae Variant Classification Sherloc (09022015). Collection method: clinical testing. Allele origin: germline.
Comment: This sequence change replaces glutamic acid, which is acidic and polar, with alanine, which is neutral and non-polar, at codon 119 of the RB1 protein (p.Glu119Ala). This variant is present in population databases (no rsID available, gnomAD 0.007%). This variant has not been reported in the literature in individuals affected with RB1-related conditions. ClinVar contains an entry for this variant (Variation ID: 458166). Invitae Evidence Modeling of protein sequence and biophysical properties (such as structural, functional, and spatial information, amino acid conservation, physicochemical variation, residue mobility, and thermodynamic stability) has been performed for this missense variant. However, the output from this modeling did not meet the statistical confidence thresholds required to predict the impact of this variant on RB1 protein function. In summary, the available evidence is currently insufficient to determine the role of this variant in disease. Therefore, it has been classified as a Variant of Uncertain Significance.

Ambry Genetics
Classification: Uncertain significance for Hereditary cancer-predisposing syndrome. Last evaluated: 2024-08-28. Review status: criteria provided, single submitter. Criteria: Ambry Variant Classification Scheme 2023. Collection method: clinical testing. Allele origin: germline.
Comment: The p.E119A variant (also known as c.356A>C), located in coding exon 3 of the RB1 gene, results from an A to C substitution at nucleotide position 356. The glutamic acid at codon 119 is replaced by alanine, an amino acid with dissimilar properties. This amino acid position is highly conserved in available vertebrate species. In addition, the in silico prediction for this alteration is inconclusive. Based on the available evidence, the clinical significance of this variant remains unclear.